The following is an entry in ClinVar:

NM_001267550.2(TTN):c.88720C>T (p.Arg29574Cys)

Genes: TTN (titin; minus strand), TTN-AS1 (TTN antisense RNA 1; plus strand). Cytogenetic location: 2q31.2.
Variant type: single nucleotide variant.
Coding change: c.88720C>T on transcript NM_001267550.2 (MANE Select); coding-DNA position 88720, C replaced by T.
Protein change: p.Arg29574Cys; replaces arginine 29574 with cysteine.
Molecular consequence: missense variant.
Genome position (GRCh38, 1-based): chr2:178,554,627, G>A on the plus strand (C>T on the coding strand, the complement: TTN is on the minus strand). VCF-style: chr2-178554627-G-A. GRCh37 (hg19) VCF-style: chr2-179419354-G-A.
Other names: p.R27933C:CGT>TGT; c.83797C>T, p.Arg27933Cys (NM_001256850.1); c.81016C>T, p.Arg27006Cys (NM_133378.4); c.61525C>T, p.Arg20509Cys (NM_003319.4); c.61900C>T, p.Arg20634Cys (NM_133432.3); c.62101C>T, p.Arg20701Cys (NM_133437.4); short protein forms R27933C, R29574C, R27006C, R20701C, R20634C, R20509C.
Identifiers: ClinVar variation 202952 (VCV000202952.34), dbSNP rs200513274, ClinGen allele CA310790.

ClinVar aggregate classification (germline): Conflicting classifications of pathogenicity. Review status: criteria provided, conflicting classifications (1 of 4 stars). 15 submissions from 11 submitters: Uncertain significance (9); Benign (2); Likely benign (4). Last evaluated 2025-06-25.

Conditions:
TTN-related disorder. Also called: TTN-related condition; TTN-related disease; TTN-related disorders.
Dilated cardiomyopathy 1G (CMD1G). Identifiers: Orphanet 154, MedGen C1858763, MONDO:0011400, OMIM 604145.
Autosomal recessive limb-girdle muscular dystrophy type 2J (LGMDR10). Also called: Limb-girdle muscular dystrophy, type 2J; MUSCULAR DYSTROPHY, LIMB-GIRDLE, AUTOSOMAL RECESSIVE 10. Identifiers: Orphanet 140922, MedGen C1837342, MONDO:0012127, OMIM 608807.
Tibial muscular dystrophy (TMD). Also called: Tibial muscular dystrophy, tardive; Udd Distal Myopathy – Tibial Muscular Dystrophy; UDD MYOPATHY. Identifiers: Orphanet 609, MedGen C1838244, MONDO:0010870, OMIM 600334.
Myopathy, myofibrillar, 9, with early respiratory failure (MFM9). Also called: Myopathy, distal, with early respiratory failure, autosomal dominant; MYOPATHY, PROXIMAL, WITH EARLY RESPIRATORY MUSCLE INVOLVEMENT; Hereditary myopathy with early respiratory failure; EDSTROM MYOPATHY. Identifiers: Orphanet 178464, Orphanet 34521, MedGen C1863599, MONDO:0011362, OMIM 603689.
Hypertrophic cardiomyopathy 9. Also called: Familial hypertrophic cardiomyopathy 9. Identifiers: MedGen C1861065, MONDO:0013412, OMIM 613765.
Cardiovascular phenotype. Identifiers: MedGen CN230736.
Early-onset myopathy with fatal cardiomyopathy (CMYO5). Also called: Salih Myopathy; CONGENITAL MYOPATHY 5 WITH CARDIOMYOPATHY. Identifiers: Orphanet 289377, MedGen C2673677, MONDO:0012714, OMIM 611705. Disease mechanism: loss of function.

Allele frequency attached by ClinVar (database versions not stated): 1000 Genomes Project 30x 0.00016; ESP Exome Variant Server 0.00016; 1000 Genomes Project 0.00020; TOPMed 0.00026; gnomAD 0.00029.
gnomAD v4.1: 768 of 1,613,838 alleles (0.048%); highest among the groups gnomAD compares: Non-Finnish European, 0.058%; 1 homozygote.

Submissions (15):

PreventionGenetics, part of Exact Sciences
Classification: Likely benign for TTN-related condition. Last evaluated: 2025-06-25. Review status: criteria provided, single submitter. Criteria: ACMG Guidelines, 2015. Collection method: clinical testing. Allele origin: germline.
Comment: This variant is classified as likely benign based on ACMG/AMP sequence variant interpretation guidelines (Richards et al. 2015 PMID: 25741868, with internal and published modifications).

Molecular Diagnostic Laboratory for Inherited Cardiovascular Disease, Montreal Heart Institute
Classification: Likely benign. Last evaluated: 2025-04-09. Review status: criteria provided, single submitter. Criteria: ACMG Guidelines, 2015. Collection method: clinical testing. Allele origin: germline. Affected: no.

Women's Health and Genetics/Laboratory Corporation of America, LabCorp
Classification: Uncertain significance. Last evaluated: 2024-10-11. Review status: criteria provided, single submitter. Criteria: LabCorp Variant Classification Summary - May 2015. Collection method: clinical testing. Allele origin: germline.
Comment: Variant summary: TTN c.81016C>T (p.Arg27006Cys) results in a non-conservative amino acid change located in the A-band region of the encoded protein sequence. Four of five in-silico tools predict a damaging effect of the variant on protein function. The variant allele was found at a frequency of 0.00025 in 248676 control chromosomes, predominantly at a frequency of 0.00045 within the East Asian subpopulation in the gnomAD database. The available data on variant occurrences in the general population are insufficient to allow any conclusion about variant significance. c.81016C>T has been reported in the literature in an individual with suspected sudden cardiac death (Hertz_2016). These report(s) do not provide unequivocal conclusions about association of the variant with Dilated Cardiomyopathy. To our knowledge, no experimental evidence demonstrating an impact on protein function has been reported. The following publication have been ascertained in the context of this evaluation (PMID: 26383259). ClinVar contains an entry for this variant (Variation ID: 202952). Based on the evidence outlined above, the variant was classified as uncertain significance.

Revvity Omics, Revvity
Classification: Uncertain significance. Last evaluated: 2024-09-03. Review status: criteria provided, single submitter. Criteria: ACMG Guidelines, 2015. Collection method: clinical testing. Allele origin: germline.

GeneDx
Classification: Likely benign. Last evaluated: 2021-06-07. Review status: criteria provided, single submitter. Criteria: GeneDx Variant Classification Process June 2021. Collection method: clinical testing. Allele origin: germline. Affected: yes.
Comment: This variant is associated with the following publications: (PMID: 26582918)

Athena Diagnostics
Classification: Likely benign. Last evaluated: 2020-06-08. Review status: criteria provided, single submitter. Criteria: Athena Diagnostics Criteria. Collection method: clinical testing. Allele origin: unknown.

Ambry Genetics
Classification: Uncertain significance for Cardiovascular phenotype. Last evaluated: 2020-02-13. Review status: criteria provided, single submitter. Criteria: Ambry Variant Classification Scheme 2023. Collection method: clinical testing. Allele origin: germline.
Comment: The p.R20509C variant (also known as c.61525C>T), located in coding exon 159 of the TTN gene, results from a C to T substitution at nucleotide position 61525. The arginine at codon 20509 is replaced by cysteine, an amino acid with highly dissimilar properties. This amino acid position is highly conserved in available vertebrate species. In addition, this alteration is predicted to be tolerated by in silico analysis. Since supporting evidence is limited at this time, the clinical significance of this alteration remains unclear.

Eurofins Ntd Llc (ga)
Classification: Uncertain significance. Last evaluated: 2018-07-23. Review status: criteria provided, single submitter. Criteria: EGL ClinVar v180209 classification definitions. Collection method: clinical testing. Allele origin: germline. Observed: 10 variant alleles, 9 heterozygotes.

Illumina Laboratory Services, Illumina
Classification: Uncertain significance for Dilated cardiomyopathy 1G. Last evaluated: 2018-01-12. Review status: criteria provided, single submitter. Criteria: ICSL Variant Classification Criteria 13 December 2019. Collection method: clinical testing. Allele origin: germline.

Illumina Laboratory Services, Illumina
Classification: Uncertain significance for Autosomal recessive limb-girdle muscular dystrophy type 2J. Last evaluated: 2018-01-12. Review status: criteria provided, single submitter. Criteria: ICSL Variant Classification Criteria 13 December 2019. Collection method: clinical testing. Allele origin: germline.

Illumina Laboratory Services, Illumina
Classification: Benign for Myopathy, myofibrillar, 9, with early respiratory failure. Last evaluated: 2018-01-12. Review status: criteria provided, single submitter. Criteria: ICSL Variant Classification Criteria 13 December 2019. Collection method: clinical testing. Allele origin: germline.
Comment: This variant was observed in the ICSL laboratory as part of a predisposition screen in an ostensibly healthy population. It had not been previously curated by ICSL or reported in the Human Gene Mutation Database (HGMD: prior to June 1st, 2018), and was therefore a candidate for classification through an automated scoring system. Utilizing variant allele frequency, disease prevalence and penetrance estimates, and inheritance mode, an automated score was calculated to assess if this variant is too frequent to cause the disease. Based on the score and internal cut-off values, a variant classified as benign is not then subjected to further curation. The score for this variant resulted in a classification of benign for this disease.

Illumina Laboratory Services, Illumina
Classification: Uncertain significance for Early-onset myopathy with fatal cardiomyopathy. Last evaluated: 2018-01-12. Review status: criteria provided, single submitter. Criteria: ICSL Variant Classification Criteria 13 December 2019. Collection method: clinical testing. Allele origin: germline.

Illumina Laboratory Services, Illumina
Classification: Benign for Tibial muscular dystrophy. Last evaluated: 2018-01-12. Review status: criteria provided, single submitter. Criteria: ICSL Variant Classification Criteria 13 December 2019. Collection method: clinical testing. Allele origin: germline.
Comment: the same text as in the submission from Illumina Laboratory Services, Illumina above.

Labcorp Genetics (formerly Invitae), Labcorp
Classification: Uncertain significance for Dilated cardiomyopathy 1G; Autosomal recessive limb-girdle muscular dystrophy type 2J. Last evaluated: 2017-12-26. Review status: criteria provided, single submitter. Criteria: Invitae Variant Classification Sherloc (09022015). Collection method: clinical testing. Allele origin: germline.

Laboratory for Molecular Medicine, Mass General Brigham Personalized Medicine
Classification: Uncertain significance. Last evaluated: 2015-05-28. Review status: criteria provided, single submitter. Criteria: LMM Criteria. Collection method: clinical testing. Allele origin: germline. Observed: 1 variant allele.
Comment: The p.Arg27006Cys variant in TTN has not been previously reported in individuals with cardiomyopathy, but has been identified in 16/66722 European chromosomes a nd 6/8590 East Asian chromosomes by the Exome Aggregation Consortium (ExAC; dbSNP rs200513274). Computational prediction tools a nd conservation analysis suggest that this variant may impact the protein, thoug h this information is not predictive enough to determine pathogenicity. In summa ry, the clinical significance of the p.Arg27006Cys variant is uncertain.

Literature cited by the submitters: PubMed 26383259 (cited by Women's Health and Genetics/Laboratory Corporation of America, LabCorp).